The following is an entry in ClinVar:

NM_003793.4(CTSF):c.1401T>C (p.Arg467=)

Gene: CTSF (cathepsin F; minus strand). Cytogenetic location: 11q13.2.
Variant type: single nucleotide variant.
Coding change: c.1401T>C on transcript NM_003793.4 (MANE Select); coding-DNA position 1401, T replaced by C.
Protein change: p.Arg467=; no amino-acid change (arginine 467 retained).
Molecular consequence: synonymous variant.
Genome position (GRCh38, 1-based): chr11:66,563,987, A>G on the plus strand (T>C on the coding strand, the complement: CTSF is on the minus strand). VCF-style: chr11-66563987-A-G. GRCh37 (hg19) VCF-style: chr11-66331458-A-G.
Identifiers: ClinVar variation 259168 (VCV000259168.28), dbSNP rs572846, ClinGen allele CA6125201.
Genomic context (GRCh38, chr11:66,563,987, plus strand): 5'-CCCTCTTCAGTCCACCACCGCCGAGCTGGCCATGGTGTTCACGCCACAGGCCCCGGACCC[A>G]CGATGCAAGTAGTAGTAACCCTGGGGGAGAGGGGGAGCTGGTGAGGGCACCAGGGTAGGA-3'
Protein context (NP_003784.2, residues 457-477): WGEKGYYYLH[Arg467=]GSGACGVNTM

ClinVar aggregate classification (germline): Benign. Review status: criteria provided, multiple submitters, no conflicts (2 of 4 stars). 12 submissions from 12 submitters: Benign (10). 2 of the submissions do not count toward it. Last evaluated 2026-02-04.

Conditions:
Neuronal ceroid lipofuscinosis 13 (CLN13). Also called: CEROID LIPOFUSCINOSIS, NEURONAL, 13 (KUFS TYPE); CLN13 Disease. Identifiers: Orphanet 352709, Orphanet 79262, MedGen C3715049, MONDO:0014147, OMIM 615362.
Inborn genetic diseases. Identifiers: MedGen C0950123, MeSH D030342.

Allele frequency attached by ClinVar (database versions not stated): gnomAD exomes 0.52079 and 0.53672; ExAC 0.53003; 1000 Genomes Project 0.58906; 1000 Genomes Project 30x 0.59557; TOPMed 0.60651; gnomAD 0.61073 and 0.62182; ESP Exome Variant Server 0.62656.
gnomAD v4.1: 877,253 of 1,613,410 alleles (54%); highest among the groups gnomAD compares: African/African-American, 83%; 244,359 homozygotes.

Submissions (12):

Labcorp Genetics (formerly Invitae), Labcorp
Classification: Benign for Neuronal ceroid lipofuscinosis 13. Last evaluated: 2026-02-04. Review status: criteria provided, single submitter. Criteria: Invitae Variant Classification Sherloc (09022015). Collection method: clinical testing. Allele origin: germline.

Blueprint Genetics
Classification: Benign. Last evaluated: 2024-11-27. Review status: criteria provided, single submitter. Criteria: ACMG Guidelines, 2015. Collection method: clinical testing. Allele origin: germline.

Genome-Nilou Lab
Classification: Benign for Neuronal ceroid lipofuscinosis 13. Last evaluated: 2021-07-30. Review status: criteria provided, single submitter. Criteria: ACMG Guidelines, 2015. Collection method: clinical testing. Allele origin: germline. Affected: no.

GeneDx
Classification: Benign. Last evaluated: 2018-06-13. Review status: criteria provided, single submitter. Criteria: GeneDx Variant Classification (06012015). Collection method: clinical testing. Allele origin: germline. Affected: yes.
Comment: This variant is considered likely benign or benign based on one or more of the following criteria: it is a conservative change, it occurs at a poorly conserved position in the protein, it is predicted to be benign by multiple in silico algorithms, and/or has population frequency not consistent with disease.

Athena Diagnostics
Classification: Benign. Last evaluated: 2017-04-20. Review status: criteria provided, single submitter. Criteria: Athena Diagnostics Criteria. Collection method: clinical testing. Allele origin: germline.

Ambry Genetics
Classification: Benign for Inborn genetic diseases. Last evaluated: 2016-01-08. Review status: criteria provided, single submitter. Criteria: Ambry Variant Classification Scheme 2023. Collection method: clinical testing. Allele origin: germline.

Eurofins Ntd Llc (ga)
Classification: Benign. Last evaluated: 2015-12-23. Review status: criteria provided, single submitter. Criteria: EGL Classification Definitions 2015. Collection method: clinical testing. Allele origin: germline. Observed: 1 variant allele, 1 homozygote.

Clinical Genetics DNA and cytogenetics Diagnostics Lab, Erasmus MC, Erasmus Medical Center
Classification: Benign for Neuronal ceroid lipofuscinosis 13. Last evaluated: 2015-09-21. Review status: criteria provided, single submitter. Criteria: ACGS Guidelines, 2013. Collection method: clinical testing. Allele origin: germline. Affected: yes. Study: VKGL Data-share Consensus.

Breakthrough Genomics
Classification: Benign. Review status: criteria provided, single submitter. Criteria: ACMG Guidelines, 2015. Collection method: not provided. Allele origin: germline. Inheritance: Autosomal recessive inheritance. Affected: yes.

PreventionGenetics, part of Exact Sciences
Classification: Benign. Review status: criteria provided, single submitter. Criteria: ACMG Guidelines, 2015. Collection method: clinical testing. Allele origin: germline.

Genome Diagnostics Laboratory, Amsterdam University Medical Center
Classification: Benign for Neuronal ceroid lipofuscinosis 13. Last evaluated: 2016-04-22. Review status: no assertion criteria provided. Criteria: ACGS Guidelines, 2013. Collection method: clinical testing. Allele origin: germline. Affected: yes. Study: VKGL Data-share Consensus. Not counted in ClinVar's aggregate classification.

Mayo Clinic Laboratories, Mayo Clinic
Classification: Benign. Last evaluated: 2015-10-22. Review status: no assertion criteria provided. Collection method: clinical testing. Allele origin: unknown. Not counted in ClinVar's aggregate classification.